The following is an entry in ClinVar:

NM_000929.3(PLA2G5):c.212A>G (p.Tyr71Cys)

Gene: PLA2G5 (phospholipase A2 group V; plus strand). Cytogenetic location: 1p36.13.
Variant type: single nucleotide variant.
Coding change: c.212A>G on transcript NM_000929.3 (MANE Select); coding-DNA position 212, A replaced by G.
Protein change: p.Tyr71Cys; replaces tyrosine 71 with cysteine.
Molecular consequence: missense variant.
Genome position (GRCh38, 1-based): chr1:20,089,815, A>G. VCF-style: chr1-20089815-A-G. GRCh37 (hg19) VCF-style: chr1-20416308-A-G.
Other names: short protein forms Y71C.
Identifiers: ClinVar variation 1916319 (VCV001916319.5), dbSNP rs1422616008, ClinGen allele CA338821688.

ClinVar aggregate classification (germline): Uncertain significance (1 of 4 stars; one submission).

Allele frequency attached by ClinVar (database versions not stated): gnomAD 0.00001; TOPMed 0.00001.
gnomAD v4.1: 2 of 1,614,000 alleles (0.00012%); highest among the groups gnomAD compares: African/African-American, 0.0013%; no homozygotes.

Submission:

Labcorp Genetics (formerly Invitae), Labcorp
Classification: Uncertain significance. Last evaluated: 2024-10-22. Review status: criteria provided, single submitter. Criteria: Invitae Variant Classification Sherloc (09022015). Collection method: clinical testing. Allele origin: germline.
Comment: This sequence change replaces tyrosine, which is neutral and polar, with cysteine, which is neutral and slightly polar, at codon 71 of the PLA2G5 protein (p.Tyr71Cys). This variant is present in population databases (no rsID available, gnomAD 0.01%). This variant has not been reported in the literature in individuals affected with PLA2G5-related conditions. ClinVar contains an entry for this variant (Variation ID: 1916319). An algorithm developed to predict the effect of missense changes on protein structure and function (PolyPhen-2) suggests that this variant is likely to be disruptive. In summary, the available evidence is currently insufficient to determine the role of this variant in disease. Therefore, it has been classified as a Variant of Uncertain Significance.